The following is an entry in ClinVar:

ClinVar aggregate classification (germline): Uncertain significance (1 of 4 stars; one submission).

Allele frequency attached by ClinVar (database versions not stated): TOPMed below 0.00001.

Submission:

Ambry Genetics
Classification: Uncertain significance. Last evaluated: 2024-02-22. Review status: criteria provided, single submitter. Criteria: Ambry Variant Classification Scheme 2023. Collection method: clinical testing. Allele origin: germline.
Comment: The p.E591V variant (also known as c.1772A>T), located in coding exon 11 of the POLQ gene, results from an A to T substitution at nucleotide position 1772. The glutamic acid at codon 591 is replaced by valine, an amino acid with dissimilar properties. This amino acid position is conserved. In addition, the in silico prediction for this alteration is inconclusive. Based on the available evidence, the clinical significance of this alteration remains unclear.

NM_199420.4(POLQ):c.1772A>T (p.Glu591Val)

Gene: POLQ (DNA polymerase theta; minus strand). Cytogenetic location: 3q13.33.
Variant type: single nucleotide variant.
Coding change: c.1772A>T on transcript NM_199420.4 (MANE Select); coding-DNA position 1772, A replaced by T.
Protein change: p.Glu591Val; replaces glutamic acid 591 with valine.
Molecular consequence: missense variant.
Genome position (GRCh38, 1-based): chr3:121,510,083, T>A on the plus strand (A>T on the coding strand, the complement: POLQ is on the minus strand). VCF-style: chr3-121510083-T-A. GRCh37 (hg19) VCF-style: chr3-121228930-T-A.
Other names: short protein forms E591V.
Identifiers: ClinVar variation 3229859 (VCV003229859.1), dbSNP rs1487604234, ClinGen allele CA354114491.